The following is an entry in ClinVar:

NM_000540.3(RYR1):c.15115T>A (p.Ter5039Arg)

Gene: RYR1 (ryanodine receptor 1; plus strand). Cytogenetic location: 19q13.2.
Variant type: single nucleotide variant.
Coding change: c.15115T>A on transcript NM_000540.3 (MANE Select); coding-DNA position 15115, T replaced by A.
Protein change: p.Ter5039Arg.
Molecular consequence: stop lost.
Genome position (GRCh38, 1-based): chr19:38,587,418, T>A. VCF-style: chr19-38587418-T-A. GRCh37 (hg19) VCF-style: chr19-39078058-T-A.
Other names: *5039R; *5034R; c.15100T>A, p.Ter5034Arg (NM_001042723.2).
Identifiers: ClinVar variation 544396 (VCV000544396.8), dbSNP rs1555806206, ClinGen allele CA405694802.

ClinVar aggregate classification (germline): Uncertain significance (1 of 4 stars; one submission).

Conditions:
RYR1-related disorder. Also called: RYR1-related condition; RYR1-related disorders. Identifiers: MedGen CN239331.

Submission:

Labcorp Genetics (formerly Invitae), Labcorp
Classification: Uncertain significance for RYR1-related disorder. Last evaluated: 2022-06-27. Review status: criteria provided, single submitter. Criteria: Invitae Variant Classification Sherloc (09022015). Collection method: clinical testing. Allele origin: germline.
Comment: Experimental studies and prediction algorithms are not available or were not evaluated, and the functional significance of this variant is currently unknown. ClinVar contains an entry for this variant (Variation ID: 544396). This variant has not been reported in the literature in individuals affected with RYR1-related conditions. This variant is not present in population databases (gnomAD no frequency). This sequence change disrupts the translational stop signal of the RYR1 mRNA. It is expected to extend the length of the RYR1 protein by 21 additional amino acid residues. In summary, the available evidence is currently insufficient to determine the role of this variant in disease. Therefore, it has been classified as a Variant of Uncertain Significance.